The following is an entry in ClinVar:

ClinVar aggregate classification (germline): Uncertain significance. Review status: criteria provided, multiple submitters, no conflicts (2 of 4 stars). 4 submissions from 4 submitters: Uncertain significance (4). Last evaluated 2025-10-02.

Conditions:
Inborn genetic diseases. Identifiers: MedGen C0950123, MeSH D030342.

Allele frequency attached by ClinVar (database versions not stated): gnomAD 0.00002; gnomAD exomes 0.00003 and 0.00002; TOPMed 0.00002; ExAC 0.00001.

Submissions (4):

Ambry Genetics
Classification: Uncertain significance for Inborn genetic diseases. Last evaluated: 2025-10-02. Review status: criteria provided, single submitter. Criteria: Ambry Variant Classification Scheme 2023. Collection method: clinical testing. Allele origin: germline.

Women's Health and Genetics/Laboratory Corporation of America, LabCorp
Classification: Uncertain significance. Last evaluated: 2022-06-29. Review status: criteria provided, single submitter. Criteria: LabCorp Variant Classification Summary - May 2015. Collection method: clinical testing. Allele origin: germline.
Comment: Variant summary: LLTBP4 c.2728C>T (p.Pro910Ser) results in a non-conservative amino acid change located in the EGF-like domain (IPR000742) of the encoded protein sequence. Four of five in-silico tools predict a damaging effect of the variant on protein function. The variant allele was found at a frequency of 2.4e-05 in 248256 control chromosomes. The available data on variant occurrences in the general population are insufficient to allow any conclusion about variant significance. To our knowledge, no occurrence of c.2728C>T in individuals affected with LTBP4-related Cutis Laxa and no experimental evidence demonstrating its impact on protein function have been reported. One clinical diagnostic laboratory has submitted a clinical-significance assessment for this variant to ClinVar after 2014 and classified the variant as uncertain significance. Based on the evidence outlined above, the variant was classified as uncertain significance.

Labcorp Genetics (formerly Invitae), Labcorp
Classification: Uncertain significance. Last evaluated: 2022-06-28. Review status: criteria provided, single submitter. Criteria: Invitae Variant Classification Sherloc (09022015). Collection method: clinical testing. Allele origin: germline.
Comment: This sequence change replaces proline, which is neutral and non-polar, with serine, which is neutral and polar, at codon 910 of the LTBP4 protein (p.Pro910Ser). This variant is present in population databases (rs761312837, gnomAD 0.005%). This variant has not been reported in the literature in individuals affected with LTBP4-related conditions. ClinVar contains an entry for this variant (Variation ID: 1313014). Experimental studies and prediction algorithms are not available or were not evaluated, and the functional significance of this variant is currently unknown. In summary, the available evidence is currently insufficient to determine the role of this variant in disease. Therefore, it has been classified as a Variant of Uncertain Significance.

GeneDx
Classification: Uncertain significance. Last evaluated: 2020-07-09. Review status: criteria provided, single submitter. Criteria: GeneDx Variant Classification Process June 2021. Collection method: clinical testing. Allele origin: germline. Affected: yes.
Comment: Not observed at a significant frequency in large population cohorts (Lek et al., 2016); In silico analysis supports that this missense variant does not alter protein structure/function; Has not been previously published as pathogenic or benign to our knowledge

NM_001042545.2(LTBP4):c.2638C>T (p.Pro880Ser)

Gene: LTBP4 (latent transforming growth factor beta binding protein 4; plus strand). Cytogenetic location: 19q13.2.
Variant type: single nucleotide variant.
Coding change: c.2638C>T on transcript NM_001042545.2 (MANE Select); coding-DNA position 2638, C replaced by T.
Protein change: p.Pro880Ser; replaces proline 880 with serine.
Molecular consequence: missense variant.
Genome position (GRCh38, 1-based): chr19:40,613,996, C>T. VCF-style: chr19-40613996-C-T. GRCh37 (hg19) VCF-style: chr19-41119902-C-T.
Other names: c.2839C>T, p.Pro947Ser (NM_001042544.1); c.2728C>T, p.Pro910Ser (NM_003573.2); short protein forms P880S, P910S, P947S.
Identifiers: ClinVar variation 1313014 (VCV001313014.5), dbSNP rs761312837, ClinGen allele CA9448744.